The following is an entry in ClinVar:

NM_020163.3(SEMA3G):c.667+6G>A

Gene: SEMA3G (semaphorin 3G; minus strand). Cytogenetic location: 3p21.1.
Variant type: single nucleotide variant.
Coding change: c.667+6G>A on transcript NM_020163.3 (MANE Select); 6 bases into the intron after coding-DNA position 667, G replaced by A.
Molecular consequence: intron variant.
Genome position (GRCh38, 1-based): chr3:52,441,568, C>T on the plus strand (G>A on the coding strand, the complement: SEMA3G is on the minus strand). VCF-style: chr3-52441568-C-T. GRCh37 (hg19) VCF-style: chr3-52475584-C-T.
Identifiers: ClinVar variation 4982336 (VCV004982336.1).

ClinVar aggregate classification (germline): Likely benign (1 of 4 stars; one submission).

Conditions:
SEMA3G-related disorder. Also called: SEMA3G-related condition.

gnomAD v4.1: 6 of 1,610,796 alleles (0.00037%); highest among the groups gnomAD compares: Admixed American, 0.0017%; no homozygotes.

Submission:

PreventionGenetics, part of Exact Sciences
Classification: Likely benign for SEMA3G-related condition. Last evaluated: 2026-03-11. Review status: criteria provided, single submitter. Criteria: ACMG Guidelines, 2015. Collection method: clinical testing. Allele origin: germline.
Comment: This variant is classified as likely benign based on ACMG/AMP sequence variant interpretation guidelines (Richards et al. 2015 PMID: 25741868, with internal and published modifications).